The following is an entry in ClinVar:

NM_000388.4(CASR):c.2597_2598delinsTT (p.Arg866Leu)

Gene: CASR (calcium sensing receptor; plus strand). Cytogenetic location: 3q21.1.
Variant type: Indel.
Coding change: c.2597_2598delinsTT on transcript NM_000388.4 (MANE Select); coding-DNA positions 2597 to 2598, GC replaced by TT.
Protein change: p.Arg866Leu; replaces arginine 866 with leucine.
Molecular consequence: missense variant.
Genome position (GRCh38, 1-based): chr3:122,284,551-122,284,552, GC replaced by TT. VCF-style: chr3-122284551-GC-TT. GRCh37 (hg19) VCF-style: chr3-122003398-GC-TT.
Other names: c.2627_2628delinsTT, p.Arg876Leu (NM_001178065.2); short protein forms R866L, R876L.
Identifiers: ClinVar variation 532622 (VCV000532622.8), dbSNP rs1553769144, ClinGen allele CA658796355.

ClinVar aggregate classification (germline): Uncertain significance (1 of 4 stars; one submission).

Conditions:
Familial hypocalciuric hypercalcemia (FHH). Also called: Familial benign hypercalcemia. Identifiers: Orphanet 405, MedGen C1809471, MONDO:0018458.
Autosomal dominant hypocalcemia 1 (HYPOC1). Also called: HYPOCALCEMIA, FAMILIAL. Identifiers: MedGen C3715128, MONDO:0011013, OMIM 601198.

Submission:

Labcorp Genetics (formerly Invitae), Labcorp
Classification: Uncertain significance for Familial hypocalciuric hypercalcemia; Autosomal dominant hypocalcemia 1. Last evaluated: 2017-10-17. Review status: criteria provided, single submitter. Criteria: Invitae Variant Classification Sherloc (09022015). Collection method: clinical testing. Allele origin: germline.
Comment: In summary, the available evidence is currently insufficient to determine the role of this variant in disease. Therefore, it has been classified as a Variant of Uncertain Significance. Algorithms developed to predict the effect of missense changes on protein structure and function (SIFT, PolyPhen-2, Align-GVGD) all suggest that this variant is likely to be disruptive, but these predictions have not been confirmed by published functional studies and their clinical significance is uncertain. This variant has not been reported in the literature in individuals with CASR-related disease. This variant is not present in population databases (ExAC no frequency). This sequence change replaces arginine with leucine at codon 866 of the CASR protein (p.Arg866Leu). The arginine residue is highly conserved and there is a moderate physicochemical difference between arginine and leucine.